The following is an entry in ClinVar:

NM_002471.4(MYH6):c.86G>A (p.Arg29Gln)

Genes: MYH6 (myosin heavy chain 6; minus strand), LOC114827851 (VISTA enhancer hs2155; plus strand). Cytogenetic location: 14q11.2.
Variant type: single nucleotide variant.
Coding change: c.86G>A on transcript NM_002471.4 (MANE Select); coding-DNA position 86, G replaced by A.
Protein change: p.Arg29Gln; replaces arginine 29 with glutamine.
Molecular consequence: missense variant.
Genome position (GRCh38, 1-based): chr14:23,407,138, C>T on the plus strand (G>A on the coding strand, the complement: MYH6 is on the minus strand). VCF-style: chr14-23407138-C-T. GRCh37 (hg19) VCF-style: chr14-23876347-C-T.
Other names: short protein forms R29Q.
Identifiers: ClinVar variation 164258 (VCV000164258.51), dbSNP rs150574114, ClinGen allele CA176975.

ClinVar aggregate classification (germline): Benign/Likely benign. Review status: criteria provided, multiple submitters, no conflicts (2 of 4 stars). 14 submissions from 14 submitters: Benign (8); Likely benign (2). 4 of the submissions do not count toward it. Last evaluated 2026-01-24.

Conditions:
Cardiovascular phenotype. Identifiers: MedGen CN230736.
Cardiomyopathy (CMYO). Also called: Cardiomyopathies. Identifiers: Orphanet 167848, MedGen C0878544, MONDO:0004994, HP:0001638. Inheritance: Various modes of inheritance.
Hypertrophic cardiomyopathy 14. Identifiers: MedGen C2750467, MONDO:0013197, OMIM 613251.

Allele frequency attached by ClinVar (database versions not stated): gnomAD exomes 0.00059 and 0.00136; 1000 Genomes Project 0.00419; 1000 Genomes Project 30x 0.00422; gnomAD 0.00425 and 0.00455; TOPMed 0.00456; ESP Exome Variant Server 0.00623.

Submissions (14):

Labcorp Genetics (formerly Invitae), Labcorp
Classification: Benign for Hypertrophic cardiomyopathy 14. Last evaluated: 2026-01-24. Review status: criteria provided, single submitter. Criteria: Invitae Variant Classification Sherloc (09022015). Collection method: clinical testing. Allele origin: germline.

ARUP Laboratories, Molecular Genetics and Genomics, ARUP Laboratories
Classification: Benign. Last evaluated: 2025-05-20. Review status: criteria provided, single submitter. Criteria: ARUP Molecular Germline Variant Investigation Process 2024. Collection method: clinical testing. Allele origin: germline.

CeGaT Center for Human Genetics Tuebingen
Classification: Likely benign. Last evaluated: 2025-05-01. Review status: criteria provided, single submitter. Criteria: CeGaT Center For Human Genetics Tuebingen Variant Classification Criteria Version 2. Collection method: clinical testing. Allele origin: germline. Affected: yes. Observed: 1 variant allele.
Comment: MYH6: BS1

Blueprint Genetics
Classification: Likely benign. Last evaluated: 2024-11-13. Review status: criteria provided, single submitter. Criteria: ACMG Guidelines, 2015. Collection method: clinical testing. Allele origin: germline.

Center for Advanced Laboratory Medicine, UC San Diego Health, University of California San Diego
Classification: Benign for Cardiomyopathy. Last evaluated: 2018-04-23. Review status: criteria provided, single submitter. Criteria: ACMG Guidelines, 2015. Collection method: clinical testing. Allele origin: germline. Affected: yes. Observed: 1 variant allele.

CHEO Genetics Diagnostic Laboratory, Children's Hospital of Eastern Ontario
Classification: Benign for Cardiomyopathy. Last evaluated: 2017-09-07. Review status: criteria provided, single submitter. Criteria: ACMG Guidelines, 2015. Collection method: clinical testing. Allele origin: germline. Study: Canadian Open Genetics Repository.

GeneDx
Classification: Benign. Last evaluated: 2016-11-21. Review status: criteria provided, single submitter. Criteria: GeneDx Variant Classification (06012015). Collection method: clinical testing. Allele origin: germline. Affected: yes.
Comment: This variant is considered likely benign or benign based on one or more of the following criteria: it is a conservative change, it occurs at a poorly conserved position in the protein, it is predicted to be benign by multiple in silico algorithms, and/or has population frequency not consistent with disease.

Ambry Genetics
Classification: Benign for Cardiovascular phenotype. Last evaluated: 2016-03-29. Review status: criteria provided, single submitter. Criteria: Ambry Variant Classification Scheme 2023. Collection method: clinical testing. Allele origin: germline.

Biesecker Lab/Clinical Genomics Section, National Institutes of Health
Classification: Benign. Last evaluated: 2013-06-24. Review status: criteria provided, single submitter. Criteria: Ng et al. (Circ Cardiovasc Genet. 2013). Collection method: research. Allele origin: unknown. Observed: 3 variant alleles. Study: ClinSeq.
Comment: The study set was not selected for affection status in relation to any cancer. Pathogenicity categories were based on literature curation. See Pubmed ID:23861362 for details.

Medical sequencing

Laboratory for Molecular Medicine, Mass General Brigham Personalized Medicine
Classification: Benign. Last evaluated: 2012-03-19. Review status: criteria provided, single submitter. Criteria: LMM Criteria. Collection method: clinical testing. Allele origin: germline. Observed: 6 variant alleles.
Comment: p.Arg29Gln in Exon 03 of MYH6: This variant is not expected to have clinical sig nificance because it has been identified in 1.9% (70/3738) of African American c hromosomes from a broad population by the NHLBI Exome Sequencing Project (dbSNP rs150574114).

Clinical Genetics DNA and cytogenetics Diagnostics Lab, Erasmus MC, Erasmus Medical Center
Classification: Benign. Review status: no assertion criteria provided. Collection method: clinical testing. Allele origin: germline. Affected: yes. Study: VKGL Data-share Consensus. Not counted in ClinVar's aggregate classification.

Clinical Genetics, Academic Medical Center
Classification: Benign. Review status: no assertion criteria provided. Collection method: clinical testing. Allele origin: germline. Affected: yes. Study: VKGL Data-share Consensus. Not counted in ClinVar's aggregate classification.

Diagnostic Laboratory, Department of Genetics, University Medical Center Groningen
Classification: Benign. Review status: no assertion criteria provided. Collection method: clinical testing. Allele origin: germline. Affected: yes. Study: VKGL Data-share Consensus. Not counted in ClinVar's aggregate classification.

Joint Genome Diagnostic Labs from Nijmegen and Maastricht, Radboudumc and MUMC+
Classification: Likely benign. Review status: no assertion criteria provided. Collection method: clinical testing. Allele origin: germline. Affected: yes. Study: VKGL Data-share Consensus. Not counted in ClinVar's aggregate classification.